The following is an entry in ClinVar:

NM_000400.4(ERCC2):c.1017_1018insTC (p.Val340fs)

Gene: ERCC2 (ERCC excision repair 2, TFIIH core complex helicase subunit; minus strand). Cytogenetic location: 19q13.32.
Variant type: Insertion.
Coding change: c.1017_1018insTC on transcript NM_000400.4 (MANE Select); coding-DNA positions 1017 to 1018, TC inserted.
Protein change: p.Val340fs; shifts the reading frame from valine 340.
Molecular consequence: frameshift variant.
Genome position: GRCh38 VCF-style: chr19-45363843-C-CGA. GRCh37 (hg19) VCF-style: chr19-45867101-C-CGA.
Other names: c.1017_1018insTC (NM_000400.3); c.945_946insTC, p.Val316fs (NM_001130867.2); short protein forms V316fs, V340fs.
Identifiers: ClinVar variation 3382695 (VCV003382695.2).

ClinVar aggregate classification (germline): Pathogenic (1 of 4 stars; one submission).

Conditions:
Xeroderma pigmentosum, group D (XPD). Also called: XP, GROUP H; XERODERMA PIGMENTOSUM, COMPLEMENTATION GROUP D; XERODERMA PIGMENTOSUM IV; XP, GROUP D; ERCC2-Related Xeroderma Pigmentosum. Identifiers: MedGen C0268138, MONDO:0010212, OMIM 278730.
Cerebrooculofacioskeletal syndrome 2 (COFS2). Identifiers: MedGen C1853102, MONDO:0012553, OMIM 610756.
Trichothiodystrophy 1, photosensitive (TTD1). Also called: TRICHOTHIODYSTROPHY WITH CONGENITAL ICHTHYOSIS; PIBIDS SYNDROME; TAY SYNDROME. Identifiers: Orphanet 33364, MedGen C1866504, MONDO:0011125, OMIM 601675.

Submission:

Juno Genomics, Hangzhou Juno Genomics, Inc
Classification: Pathogenic for Cerebrooculofacioskeletal syndrome 2; Trichothiodystrophy 1, photosensitive; Xeroderma pigmentosum, group D. Review status: criteria provided, single submitter. Criteria: ACMG Guidelines, 2015. Collection method: clinical testing. Allele origin: germline. Affected: yes.
Comment: Null variant in a gene where loss of function (LOF) is a known mechanism of disease.;Absent from controls (or at extremely low frequency if recessive) in Genome Aggregation Database, Exome Sequencing Project, 1000 Genomes Project, or Exome Aggregation Consortium.;For recessive disorders, detected in trans with a pathogenic variant.;Patient's phenotype or family history is highly specific for a disease with a single genetic etiology.